The following is an entry in ClinVar:

NM_001130438.3(SPTAN1):c.3593T>C (p.Met1198Thr)

Gene: SPTAN1 (spectrin alpha, non-erythrocytic 1; plus strand). Cytogenetic location: 9q34.11.
Variant type: single nucleotide variant.
Coding change: c.3593T>C on transcript NM_001130438.3 (MANE Select); coding-DNA position 3593, T replaced by C.
Protein change: p.Met1198Thr; replaces methionine 1198 with threonine.
Molecular consequence: missense variant.
Genome position (GRCh38, 1-based): chr9:128,603,556, T>C. VCF-style: chr9-128603556-T-C. GRCh37 (hg19) VCF-style: chr9-131365835-T-C.
Other names: c.3533T>C, p.Met1178Thr (NM_001195532.2, NM_001363765.2, NM_001375314.2 and 3 more transcripts); c.3593T>C, p.Met1198Thr (NM_001363759.2, NM_001375310.1, NM_001375311.2 and 4 more transcripts); c.3629T>C, p.Met1210Thr (NM_001375312.2, NM_001375318.1, NM_001438440.1); short protein forms M1210T, M1178T, M1198T.
Identifiers: ClinVar variation 4753922 (VCV004753922.1).

ClinVar aggregate classification (germline): Uncertain significance (1 of 4 stars; one submission).

Conditions:
Early-infantile DEE. Also called: Ohtahara syndrome; Early infantile epileptic encephalopathy; Early infantile epileptic encephalopathy with suppression bursts. Identifiers: Orphanet 1934, MedGen C0393706, MONDO:0800491.

Submission:

Labcorp Genetics (formerly Invitae), Labcorp
Classification: Uncertain significance for Early-infantile DEE. Last evaluated: 2025-08-04. Review status: criteria provided, single submitter. Criteria: Invitae Variant Classification Sherloc (09022015). Collection method: clinical testing. Allele origin: germline.
Comment: This sequence change replaces methionine, which is neutral and non-polar, with threonine, which is neutral and polar, at codon 1198 of the SPTAN1 protein (p.Met1198Thr). This variant is not present in population databases (gnomAD no frequency). This variant has not been reported in the literature in individuals affected with SPTAN1-related conditions. Invitae Evidence Modeling of protein sequence and biophysical properties (such as structural, functional, and spatial information, amino acid conservation, physicochemical variation, residue mobility, and thermodynamic stability) has been performed for this missense variant. However, the output from this modeling did not meet the statistical confidence thresholds required to predict the impact of this variant on SPTAN1 protein function. In summary, the available evidence is currently insufficient to determine the role of this variant in disease. Therefore, it has been classified as a Variant of Uncertain Significance.